The following is an entry in ClinVar:

NM_000059.4(BRCA2):c.4272T>C (p.Ser1424=)

Gene: BRCA2 (BRCA2 DNA repair associated; plus strand). Cytogenetic location: 13q13.1.
Variant type: single nucleotide variant.
Coding change: c.4272T>C on transcript NM_000059.4 (MANE Select); coding-DNA position 4272, T replaced by C.
Protein change: p.Ser1424=; no amino-acid change (serine 1424 retained).
Molecular consequence: synonymous variant. On other transcripts: non-coding transcript variant (1), intron variant (2).
Genome position (GRCh38, 1-based): chr13:32,338,627, T>C. VCF-style: chr13-32338627-T-C. GRCh37 (hg19) VCF-style: chr13-32912764-T-C.
Other names: c.4272T>C, p.Ser1424= (NM_001406719.1, NM_001406720.1); c.1909+5240T>C (NM_001406721.1); c.425-5931T>C (NM_001406722.1).
Identifiers: ClinVar variation 2681827 (VCV002681827.2), dbSNP rs2137504686, ClinGen allele CA483438114.
Genomic context (GRCh38, chr13:32,338,627, plus strand): 5'-AAATAAAGAACAGTTAACTGCTACTAAAACGGAGCAAAATATAAAAGATTTTGAGACTTC[T>C]GATACATTTTTTCAGACTGCAAGTGGGAAAAATATTAGTGTCGCCAAAGAGTCATTTAAT-3'
Protein context (NP_000050.3, residues 1414-1434): TEQNIKDFET[Ser1424=]DTFFQTASGK

ClinVar aggregate classification (germline): Conflicting classifications of pathogenicity. Review status: criteria provided, conflicting classifications (1 of 4 stars). 2 submissions from 2 submitters: Uncertain significance (1); Likely benign (1). Last evaluated 2025-11-25.

Conditions:
Hereditary breast ovarian cancer syndrome. Also called: Hereditary breast and ovarian cancer syndrome; Hereditary breast and ovarian cancer syndrome (HBOC); BRCA1- and BRCA2-Associated Hereditary Breast and Ovarian Cancer; Hereditary breast and ovarian cancer; Breast and ovarian cancer; Hereditary breast and/or ovarian cancer syndrome. Identifiers: Orphanet 145, MedGen C0677776, MeSH D061325, MONDO:0003582. Disease mechanism: loss of function.

Submissions (2):

Labcorp Genetics (formerly Invitae), Labcorp
Classification: Likely benign for Hereditary breast ovarian cancer syndrome. Last evaluated: 2025-11-25. Review status: criteria provided, single submitter. Criteria: Invitae Variant Classification Sherloc (09022015). Collection method: clinical testing. Allele origin: germline.

Quest Diagnostics Nichols Institute San Juan Capistrano
Classification: Uncertain significance. Last evaluated: 2023-06-28. Review status: criteria provided, single submitter. Criteria: Quest Diagnostics criteria. Collection method: clinical testing. Allele origin: unknown.
Comment: In the published literature, this variant has been reported in the somatic state in an individual with endometrial cancer (PMID: 23104009 (2012)). This variant has not been reported in large, multi-ethnic general populations (Genome Aggregation Database). Analysis of this variant using software algorithms for the prediction of the effect of nucleotide changes on splicing yielded predictions that this variant does not affect BRCA2 mRNA splicing . Based on the available information, we are unable to determine the clinical significance of this variant.

Literature cited by the submitters: PubMed 23104009 (cited by Quest Diagnostics Nichols Institute San Juan Capistrano).